The following is an entry in ClinVar:

NM_000179.3(MSH6):c.2872C>A (p.Gln958Lys)

Gene: MSH6 (mutS homolog 6; plus strand). Cytogenetic location: 2p16.3.
Variant type: single nucleotide variant.
Coding change: c.2872C>A on transcript NM_000179.3 (MANE Select); coding-DNA position 2872, C replaced by A.
Protein change: p.Gln958Lys; replaces glutamine 958 with lysine.
Molecular consequence: missense variant. On other transcripts: non-coding transcript variant (5), intron variant (2).
Genome position (GRCh38, 1-based): chr2:47,800,855, C>A. VCF-style: chr2-47800855-C-A. GRCh37 (hg19) VCF-style: chr2-48027994-C-A.
Other names: c.2482C>A, p.Gln828Lys (NM_001281492.2); c.1966C>A, p.Gln656Lys (NM_001281493.2, NM_001281494.2, NM_001406811.1 and 6 more transcripts); c.2968C>A, p.Gln990Lys (NM_001406795.1, NM_001406802.1); c.2872C>A, p.Gln958Lys (NM_001406796.1, NM_001406798.1, NM_001406800.1 and 2 more transcripts); c.2575C>A, p.Gln859Lys (NM_001406797.1, NM_001406801.1, NM_001406805.1 and 10 more transcripts); c.2347C>A, p.Gln783Lys (NM_001406799.1, NM_001406806.1, NM_001406807.1); c.2794C>A, p.Gln932Lys (NM_001406804.1); c.2878C>A, p.Gln960Lys (NM_001406813.1); and 4 more; short protein forms Q273K, Q656K, Q783K, Q828K, Q859K, Q902K, Q932K, Q958K.
Identifiers: ClinVar variation 4800218 (VCV004800218.1).

ClinVar aggregate classification (germline): Uncertain significance (1 of 4 stars; one submission).

Conditions:
Hereditary nonpolyposis colorectal neoplasms. Identifiers: MedGen C0009405, MeSH D003123.

Submission:

Labcorp Genetics (formerly Invitae), Labcorp
Classification: Uncertain significance for Hereditary nonpolyposis colorectal neoplasms. Last evaluated: 2025-02-12. Review status: criteria provided, single submitter. Criteria: Invitae Variant Classification Sherloc (09022015). Collection method: clinical testing. Allele origin: germline.
Comment: This sequence change replaces glutamine, which is neutral and polar, with lysine, which is basic and polar, at codon 958 of the MSH6 protein (p.Gln958Lys). This variant is not present in population databases (gnomAD no frequency). This variant has not been reported in the literature in individuals affected with MSH6-related conditions. Invitae Evidence Modeling of protein sequence and biophysical properties (such as structural, functional, and spatial information, amino acid conservation, physicochemical variation, residue mobility, and thermodynamic stability) indicates that this missense variant is not expected to disrupt MSH6 protein function with a negative predictive value of 95%. In summary, the available evidence is currently insufficient to determine the role of this variant in disease. Therefore, it has been classified as a Variant of Uncertain Significance.